The following is an entry in ClinVar:

NM_001267550.2(TTN):c.56358C>T (p.Gly18786=)

Genes: TTN-AS1 (TTN antisense RNA 1; plus strand), TTN (titin; minus strand). Cytogenetic location: 2q31.2.
Variant type: single nucleotide variant.
Coding change: c.56358C>T on transcript NM_001267550.2 (MANE Select); coding-DNA position 56358, C replaced by T.
Protein change: p.Gly18786=; no amino-acid change (glycine 18786 retained).
Molecular consequence: synonymous variant.
Genome position (GRCh38, 1-based): chr2:178,599,435, G>A on the plus strand (C>T on the coding strand, the complement: TTN is on the minus strand). VCF-style: chr2-178599435-G-A. GRCh37 (hg19) VCF-style: chr2-179464162-G-A.
Other names: c.51435C>T, p.Gly17145= (NM_001256850.1); c.29163C>T, p.Gly9721= (NM_003319.4); c.48654C>T, p.Gly16218= (NM_133378.4); c.29538C>T, p.Gly9846= (NM_133432.3); c.29739C>T, p.Gly9913= (NM_133437.4).
Identifiers: ClinVar variation 3054286 (VCV003054286.3), dbSNP rs2469893208, ClinGen allele CA430268586.

ClinVar aggregate classification (germline): Likely benign. Review status: criteria provided, single submitter (1 of 4 stars). 2 submissions from 2 submitters: Likely benign (1). 1 of the submissions does not count toward it. Last evaluated 2026-01-18.

Conditions:
TTN-related disorder. Also called: TTN-related condition; TTN-related disease; TTN-related disorders.
Dilated cardiomyopathy 1G (CMD1G). Identifiers: Orphanet 154, MedGen C1858763, MONDO:0011400, OMIM 604145.
Autosomal recessive limb-girdle muscular dystrophy type 2J (LGMDR10). Also called: Limb-girdle muscular dystrophy, type 2J; MUSCULAR DYSTROPHY, LIMB-GIRDLE, AUTOSOMAL RECESSIVE 10. Identifiers: Orphanet 140922, MedGen C1837342, MONDO:0012127, OMIM 608807.

Submissions (2):

Labcorp Genetics (formerly Invitae), Labcorp
Classification: Likely benign for Dilated cardiomyopathy 1G; Autosomal recessive limb-girdle muscular dystrophy type 2J. Last evaluated: 2026-01-18. Review status: criteria provided, single submitter. Criteria: Invitae Variant Classification Sherloc (09022015). Collection method: clinical testing. Allele origin: germline.

PreventionGenetics, part of Exact Sciences
Classification: Likely benign for TTN-related condition. Last evaluated: 2022-09-26. Review status: no assertion criteria provided. Collection method: clinical testing. Allele origin: germline. Not counted in ClinVar's aggregate classification.
Comment: This variant is classified as likely benign based on ACMG/AMP sequence variant interpretation guidelines (Richards et al. 2015 PMID: 25741868, with internal and published modifications).